The following is an entry in ClinVar:

NM_031407.7(HUWE1):c.12490G>A (p.Asp4164Asn)

Gene: HUWE1 (HECT, UBA and WWE domain containing E3 ubiquitin protein ligase 1; minus strand). Cytogenetic location: Xp11.22.
Variant type: single nucleotide variant.
Coding change: c.12490G>A on transcript NM_031407.7 (MANE Select); coding-DNA position 12490, G replaced by A.
Protein change: p.Asp4164Asn; replaces aspartic acid 4164 with asparagine.
Molecular consequence: missense variant.
Genome position (GRCh38, 1-based): chrX:53,536,188, C>T on the plus strand (G>A on the coding strand, the complement: HUWE1 is on the minus strand). VCF-style: chrX-53536188-C-T. GRCh37 (hg19) VCF-style: chrX-53563149-C-T.
Other names: short protein forms D4164N.
Identifiers: ClinVar variation 3368648 (VCV003368648.1).

ClinVar aggregate classification (germline): Uncertain significance (1 of 4 stars; one submission).

Submission:

GeneDx
Classification: Uncertain significance. Last evaluated: 2024-02-02. Review status: criteria provided, single submitter. Criteria: GeneDx Variant Classification Process June 2021. Collection method: clinical testing. Allele origin: germline. Affected: yes.
Comment: Not observed at significant frequency in large population cohorts (gnomAD); In silico analysis supports that this missense variant does not alter protein structure/function; Has not been previously published as pathogenic or benign to our knowledge